The following is an entry in ClinVar:

ClinVar aggregate classification (germline): Likely benign (1 of 4 stars; one submission).

Conditions:
Thyroid hormone resistance, generalized, autosomal dominant (GRTHD). Also called: HYPERTHYROXINEMIA, FAMILIAL EUTHYROID, SECONDARY TO PITUITARY AND PERIPHERAL RESISTANCE TO THYROID HORMONES. Identifiers: MedGen C2937288, MONDO:0008569, OMIM 188570.

Allele frequency attached by ClinVar (database versions not stated): 1000 Genomes Project 30x 0.00062; gnomAD 0.00076 and 0.00081; 1000 Genomes Project 0.00080; TOPMed 0.00081.

Submission:

Illumina Laboratory Services, Illumina
Classification: Likely benign for Thyroid hormone resistance, generalized, autosomal dominant. Last evaluated: 2018-01-12. Review status: criteria provided, single submitter. Criteria: ICSL Variant Classification Criteria 13 December 2019. Collection method: clinical testing. Allele origin: germline.
Comment: This variant was observed in the ICSL laboratory as part of a predisposition screen in an ostensibly healthy population. It had not been previously curated by ICSL or reported in the Human Gene Mutation Database (HGMD: prior to June 1st, 2018), and was therefore a candidate for classification through an automated scoring system. Utilizing variant allele frequency, disease prevalence and penetrance estimates, and inheritance mode, an automated score was calculated to assess if this variant is too frequent to cause the disease. Based on the score and internal cut-off values, a variant classified as likely benign is not then subjected to further curation. The score for this variant resulted in a classification of likely benign for this disease.

NM_001354712.2(THRB):c.*1372C>A

Gene: THRB (thyroid hormone receptor beta; minus strand). Cytogenetic location: 3p24.2.
Variant type: single nucleotide variant.
Coding change: c.*1372C>A on transcript NM_001354712.2 (MANE Select); 1372 bases downstream of the stop codon, C replaced by A.
Molecular consequence: 3 prime UTR variant.
Genome position (GRCh38, 1-based): chr3:24,121,512, G>T on the plus strand (C>A on the coding strand, the complement: THRB is on the minus strand). VCF-style: chr3-24121512-G-T. GRCh37 (hg19) VCF-style: chr3-24163003-G-T.
Other names: c.*1372C>A (NM_000461.5, NM_001128176.3, NM_001128177.2 and 14 more transcripts).
Identifiers: ClinVar variation 901744 (VCV000901744.4), dbSNP rs147542176, ClinGen allele CA71603917.